The following is an entry in ClinVar:

NM_000548.5(TSC2):c.4465G>A (p.Ala1489Thr)

Gene: TSC2 (TSC complex subunit 2; plus strand). Cytogenetic location: 16p13.3.
Variant type: single nucleotide variant.
Coding change: c.4465G>A on transcript NM_000548.5 (MANE Select); coding-DNA position 4465, G replaced by A.
Protein change: p.Ala1489Thr; replaces alanine 1489 with threonine.
Molecular consequence: missense variant.
Genome position (GRCh38, 1-based): chr16:2,084,687, G>A. VCF-style: chr16-2084687-G-A. GRCh37 (hg19) VCF-style: chr16-2134688-G-A.
Other names: c.4264G>A, p.Ala1422Thr (NM_001077183.3); c.4396G>A, p.Ala1466Thr (NM_001114382.3); c.4156G>A, p.Ala1386Thr (NM_001318827.2); c.4120G>A, p.Ala1374Thr (NM_001318829.2); c.3733G>A, p.Ala1245Thr (NM_001318831.2); c.4297G>A, p.Ala1433Thr (NM_001318832.2); c.4267G>A, p.Ala1423Thr (NM_001363528.2); c.4333G>A, p.Ala1445Thr (NM_001370404.1); and 1 more; short protein forms A1489T, A1446T, A1466T, A1245T, A1374T, A1386T, A1422T, A1433T.
Identifiers: ClinVar variation 135388 (VCV000135388.19), dbSNP rs587778740, ClinGen allele CA020493.

ClinVar aggregate classification (germline): Conflicting classifications of pathogenicity. Review status: criteria provided, conflicting classifications (1 of 4 stars). 5 submissions from 5 submitters: Uncertain significance (2); Likely benign (2). 1 of the submissions does not count toward it. Last evaluated 2024-08-13.

Conditions:
Hereditary cancer-predisposing syndrome. Also called: Tumor predisposition; Hereditary neoplastic syndrome; Neoplastic Syndromes, Hereditary; Hereditary Cancer Syndrome. Identifiers: Orphanet 140162, MedGen C0027672, MeSH D009386, MONDO:0015356.
Tuberous sclerosis syndrome (TSC). Also called: Tuberous sclerosis; Tuberous Sclerosis Complex. Identifiers: Orphanet 805, MedGen C0041341, MONDO:0001734.
Tuberous sclerosis 2 (TSC2). Identifiers: Orphanet 805, MedGen C1860707, MONDO:0013199, OMIM 613254.

Submissions (5):

Labcorp Genetics (formerly Invitae), Labcorp
Classification: Uncertain significance for Tuberous sclerosis 2. Last evaluated: 2024-08-13. Review status: criteria provided, single submitter. Criteria: Invitae Variant Classification Sherloc (09022015). Collection method: clinical testing. Allele origin: germline.
Comment: This sequence change replaces alanine, which is neutral and non-polar, with threonine, which is neutral and polar, at codon 1489 of the TSC2 protein (p.Ala1489Thr). This variant is not present in population databases (gnomAD no frequency). This variant has not been reported in the literature in individuals affected with TSC2-related conditions. ClinVar contains an entry for this variant (Variation ID: 135388). Advanced modeling of protein sequence and biophysical properties (such as structural, functional, and spatial information, amino acid conservation, physicochemical variation, residue mobility, and thermodynamic stability) performed at Invitae indicates that this missense variant is not expected to disrupt TSC2 protein function with a negative predictive value of 95%. In summary, the available evidence is currently insufficient to determine the role of this variant in disease. Therefore, it has been classified as a Variant of Uncertain Significance.

All of Us Research Program, National Institutes of Health
Classification: Uncertain significance for Tuberous sclerosis syndrome. Last evaluated: 2024-05-14. Review status: criteria provided, single submitter. Criteria: ACMG Guidelines, 2015. Collection method: clinical testing. Allele origin: germline. Inheritance: Autosomal dominant inheritance. Observed: 1 variant allele, 1 heterozygote.
Comment: This missense variant replaces alanine with threonine at codon 1489 of the TSC2 protein. Computational prediction is inconclusive regarding the impact of this variant on protein structure and function. To our knowledge, functional studies have not been reported for this variant. This variant has not been reported in individuals affected with TSC2-related disorders in the literature. This variant has not been identified in the general population by the Genome Aggregation Database (gnomAD). The available evidence is insufficient to determine the role of this variant in disease conclusively. Therefore, this variant is classified as a Variant of Uncertain Significance.

This study involves interpretation of variants in research participants for the purpose of population health screening. Participant phenotype was not available at the time of variant classification. Additional details can be found in publication PMID: 35346344, PMCID: PMC8962531

Genome-Nilou Lab
Classification: Likely benign for Tuberous sclerosis 2. Last evaluated: 2021-11-07. Review status: criteria provided, single submitter. Criteria: ACMG Guidelines, 2015. Collection method: clinical testing. Allele origin: germline. Affected: no.

Ambry Genetics
Classification: Likely benign for Hereditary cancer-predisposing syndrome. Last evaluated: 2019-10-18. Review status: criteria provided, single submitter. Criteria: Ambry Variant Classification Scheme 2023. Collection method: clinical testing. Allele origin: germline.

ITMI
No classification provided. Condition: AllHighlyPenetrant. Last evaluated: 2013-09-19. Review status: no classification provided. Collection method: reference population. Allele origin: germline. Not counted in ClinVar's aggregate classification.
Comment: Please see associated publication for description of ethnicities

Literature cited by the submitters: PubMed 24728327 (cited by ITMI).